The following is an entry in ClinVar:

ClinVar aggregate classification (germline): Uncertain significance. Review status: criteria provided, multiple submitters, no conflicts (2 of 4 stars). 2 submissions from 2 submitters: Uncertain significance (2). Last evaluated 2025-09-10.

Conditions:
Retinal dystrophy. Also called: Inherited retinal dystrophy. Identifiers: Orphanet 71862, MedGen C0854723, MeSH D058499, MONDO:0019118, HP:0000556.

gnomAD v4.1: 15 of 1,613,318 alleles (0.00093%); highest among the groups gnomAD compares: East Asian, 0.033%; no homozygotes.

Submissions (2):

Labcorp Genetics (formerly Invitae), Labcorp
Classification: Uncertain significance. Last evaluated: 2025-09-10. Review status: criteria provided, single submitter. Criteria: Invitae Variant Classification Sherloc (09022015). Collection method: clinical testing. Allele origin: germline.
Comment: This sequence change replaces arginine, which is basic and polar, with glycine, which is neutral and non-polar, at codon 275 of the EMC1 protein (p.Arg275Gly). This variant is not present in population databases (gnomAD no frequency). This variant has not been reported in the literature in individuals affected with EMC1-related conditions. ClinVar contains an entry for this variant (Variation ID: 3028339). Invitae Evidence Modeling of protein sequence and biophysical properties (such as structural, functional, and spatial information, amino acid conservation, physicochemical variation, residue mobility, and thermodynamic stability) indicates that this missense variant is not expected to disrupt EMC1 protein function with a negative predictive value of 80%. In summary, the available evidence is currently insufficient to determine the role of this variant in disease. Therefore, it has been classified as a Variant of Uncertain Significance.

Dept Of Ophthalmology, Nagoya University
Classification: Uncertain significance for Retinal dystrophy. Last evaluated: 2023-10-01. Review status: criteria provided, single submitter. Criteria: Submitter's publication. Collection method: research. Allele origin: germline. Affected: yes.

NM_015047.3(EMC1):c.823C>G (p.Arg275Gly)

Genes: EMC1 (ER membrane protein complex subunit 1; minus strand), EMC1-AS1 (EMC1 antisense RNA 1; plus strand). Cytogenetic location: 1p36.13.
Variant type: single nucleotide variant.
Coding change: c.823C>G on transcript NM_015047.3 (MANE Select); coding-DNA position 823, C replaced by G.
Protein change: p.Arg275Gly; replaces arginine 275 with glycine.
Molecular consequence: missense variant.
Genome position (GRCh38, 1-based): chr1:19,239,949, G>C on the plus strand (C>G on the coding strand, the complement: EMC1 is on the minus strand). VCF-style: chr1-19239949-G-C. GRCh37 (hg19) VCF-style: chr1-19566443-G-C.
Other names: c.823C>G, p.Arg275Gly (NM_001271427.2, NM_001271428.2, NM_001375820.1 and 1 more transcripts); c.757C>G, p.Arg253Gly (NM_001271429.2); short protein forms R253G, R275G.
Identifiers: ClinVar variation 3028339 (VCV003028339.2), dbSNP rs149183157, ClinGen allele CA338768386.